The following is an entry in ClinVar:

ClinVar aggregate classification (germline): Uncertain significance (1 of 4 stars; one submission).

Conditions:
Emery-Dreifuss muscular dystrophy 5, autosomal dominant (EDMD5). Also called: EMERY-DREIFUSS MUSCULAR DYSTROPHY 5. Identifiers: Orphanet 261, MedGen C2751805, MONDO:0013072, OMIM 612999.

Allele frequency attached by ClinVar (database versions not stated): gnomAD exomes 0.00002; TOPMed 0.00002.
gnomAD v4.1: 30 of 1,613,022 alleles (0.0019%); highest among the groups gnomAD compares: Non-Finnish European, 0.0024%; no homozygotes.

Submission:

Labcorp Genetics (formerly Invitae), Labcorp
Classification: Uncertain significance for Emery-Dreifuss muscular dystrophy 5, autosomal dominant. Last evaluated: 2022-12-22. Review status: criteria provided, single submitter. Criteria: Invitae Variant Classification Sherloc (09022015). Collection method: clinical testing. Allele origin: germline.
Comment: This sequence change replaces lysine, which is basic and polar, with glutamine, which is neutral and polar, at codon 3002 of the SYNE2 protein (p.Lys3002Gln). This variant is present in population databases (no rsID available, gnomAD 0.0009%). This variant has not been reported in the literature in individuals affected with SYNE2-related conditions. Algorithms developed to predict the effect of missense changes on protein structure and function are either unavailable or do not agree on the potential impact of this missense change (SIFT: "Tolerated"; PolyPhen-2: "Possibly Damaging"; Align-GVGD: "Class C0"). In summary, the available evidence is currently insufficient to determine the role of this variant in disease. Therefore, it has been classified as a Variant of Uncertain Significance.

NM_182914.3(SYNE2):c.9004A>C (p.Lys3002Gln)

Gene: SYNE2 (spectrin repeat containing nuclear envelope protein 2; plus strand). Cytogenetic location: 14q23.2.
Variant type: single nucleotide variant.
Coding change: c.9004A>C on transcript NM_182914.3 (MANE Select); coding-DNA position 9004, A replaced by C.
Protein change: p.Lys3002Gln; replaces lysine 3002 with glutamine.
Molecular consequence: missense variant.
Genome position (GRCh38, 1-based): chr14:64,052,917, A>C. VCF-style: chr14-64052917-A-C. GRCh37 (hg19) VCF-style: chr14-64519635-A-C.
Other names: c.9004A>C, p.Lys3002Gln (NM_015180.6); short protein forms K3002Q.
Identifiers: ClinVar variation 2732845 (VCV002732845.3), dbSNP rs777169796, ClinGen allele CA389974018.
Genomic context (GRCh38, chr14:64,052,917, plus strand): 5'-TATAATCTTAAAGACAGACTCACCGCTATTAAGTGTTGCATCTTACAGGTATTGAAACTT[A>C]AAAAAGTGTTTGACTATATTGGACTAAACTGGGATTTTTCACAACTTGACCAATTACAAA-3'
Protein context (NP_878918.2, residues 2992-3012): KCCILQVLKL[Lys3002Gln]KVFDYIGLNW